The following is an entry in ClinVar:

NM_000085.5(CLCNKB):c.1669A>C (p.Thr557Pro)

Genes: CLCNKB (chloride voltage-gated channel Kb; plus strand), LOC106501713 (CLCNKB recombination region; plus strand). Cytogenetic location: 1p36.13.
Variant type: single nucleotide variant.
Coding change: c.1669A>C on transcript NM_000085.5 (MANE Select); coding-DNA position 1669, A replaced by C.
Protein change: p.Thr557Pro; replaces threonine 557 with proline.
Molecular consequence: missense variant.
Genome position (GRCh38, 1-based): chr1:16,053,685, A>C. VCF-style: chr1-16053685-A-C. GRCh37 (hg19) VCF-style: chr1-16380180-A-C.
Other names: c.1162A>C, p.Thr388Pro (NM_001165945.2); short protein forms T388P, T557P.
Identifiers: ClinVar variation 1700938 (VCV001700938.8), dbSNP rs145798229, ClinGen allele CA623976.
Genomic context (GRCh38, chr1:16,053,685, plus strand): 5'-CCCTCTGCCTGCAGTTCCCACCGCGTGAGGGTGGAGCACTTCATGAACCACAGCATCACC[A>C]CACTGGCCAAGGACATGCCACTGGAGGAGGTGGTCAAGGTTGTGACCTCCACAGACGTGG-3'
Protein context (NP_000076.2, residues 547-567): VEHFMNHSIT[Thr557Pro]LAKDMPLEEV

ClinVar aggregate classification (germline): Conflicting classifications of pathogenicity. Review status: criteria provided, conflicting classifications (1 of 4 stars). 3 submissions from 3 submitters: Uncertain significance (2); Benign (1). Last evaluated 2025-12-18.

Conditions:
Bartter disease type 4B. Also called: BARTTER SYNDROME, TYPE 4B; Bartter syndrome, type 4b, digenic; BARTTER SYNDROME, TYPE 4B, NEONATAL, WITH SENSORINEURAL DEAFNESS. Identifiers: Orphanet 112, MedGen C4310805, MONDO:0000909, OMIM 613090.
Bartter disease type 3. Also called: Bartter syndrome type 3. Identifiers: Orphanet 112, Orphanet 93605, MedGen C1846343, MONDO:0011822, OMIM 607364.

Allele frequency attached by ClinVar (database versions not stated): gnomAD exomes 0.00012 and 0.00027; ExAC 0.00013; TOPMed 0.00024; gnomAD 0.00030 and 0.00032; ESP Exome Variant Server 0.00031.
gnomAD v4.1: 230 of 1,613,816 alleles (0.014%); highest among the groups gnomAD compares: Admixed American, 0.048%; 2 homozygotes.

Submissions (3):

Labcorp Genetics (formerly Invitae), Labcorp
Classification: Benign. Last evaluated: 2025-12-18. Review status: criteria provided, single submitter. Criteria: Invitae Variant Classification Sherloc (09022015). Collection method: clinical testing. Allele origin: germline.

Fulgent Genetics
Classification: Uncertain significance for Bartter disease type 3; Bartter disease type 4B. Last evaluated: 2024-01-20. Review status: criteria provided, single submitter. Criteria: ACMG Guidelines, 2015. Collection method: clinical testing. Allele origin: germline.

GeneDx
Classification: Uncertain significance. Last evaluated: 2022-02-11. Review status: criteria provided, single submitter. Criteria: GeneDx Variant Classification Process June 2021. Collection method: clinical testing. Allele origin: germline. Affected: yes.
Comment: In silico analysis supports that this missense variant has a deleterious effect on protein structure/function; Has not been previously published as pathogenic or benign to our knowledge